The following is an entry in ClinVar:

NM_000565.4(IL6R):c.298G>A (p.Gly100Ser)

Gene: IL6R (interleukin 6 receptor; plus strand). Cytogenetic location: 1q21.3.
Variant type: single nucleotide variant.
Coding change: c.298G>A on transcript NM_000565.4 (MANE Select); coding-DNA position 298, G replaced by A.
Protein change: p.Gly100Ser; replaces glycine 100 with serine.
Molecular consequence: missense variant. On other transcripts: intron variant (1).
Genome position (GRCh38, 1-based): chr1:154,429,408, G>A. VCF-style: chr1-154429408-G-A. GRCh37 (hg19) VCF-style: chr1-154401884-G-A.
Other names: c.298G>A, p.Gly100Ser (NM_001206866.2, NM_001382769.1, NM_001382770.1 and 4 more transcripts); c.126+172G>A (NM_001382774.1); c.298G>A (NM_000565.3); short protein forms G100S.
Identifiers: ClinVar variation 1379839 (VCV001379839.6), dbSNP rs145156061, ClinGen allele CA1128961.

ClinVar aggregate classification (germline): Uncertain significance. Review status: criteria provided, multiple submitters, no conflicts (2 of 4 stars). 2 submissions from 2 submitters: Uncertain significance (2). Last evaluated 2025-11-26.

Allele frequency attached by ClinVar (database versions not stated): gnomAD exomes 0.00004; TOPMed 0.00002; ESP Exome Variant Server 0.00008; ExAC 0.00002; gnomAD 0.00002.
gnomAD v4.1: 20 of 1,613,636 alleles (0.0012%); highest among the groups gnomAD compares: Middle Eastern, 0.016%; no homozygotes.

Submissions (2):

Ambry Genetics
Classification: Uncertain significance. Last evaluated: 2025-11-26. Review status: criteria provided, single submitter. Criteria: Ambry Variant Classification Scheme 2023. Collection method: clinical testing. Allele origin: germline.

Labcorp Genetics (formerly Invitae), Labcorp
Classification: Uncertain significance. Last evaluated: 2022-05-27. Review status: criteria provided, single submitter. Criteria: Invitae Variant Classification Sherloc (09022015). Collection method: clinical testing. Allele origin: germline.
Comment: This sequence change replaces glycine, which is neutral and non-polar, with serine, which is neutral and polar, at codon 100 of the IL6R protein (p.Gly100Ser). This variant is present in population databases (rs145156061, gnomAD 0.03%). This variant has not been reported in the literature in individuals affected with IL6R-related conditions. Algorithms developed to predict the effect of missense changes on protein structure and function output the following: SIFT: "Tolerated"; PolyPhen-2: "Benign"; Align-GVGD: "Class C0". The serine amino acid residue is found in multiple mammalian species, which suggests that this missense change does not adversely affect protein function. Algorithms developed to predict the effect of sequence changes on RNA splicing suggest that this variant may create or strengthen a splice site. In summary, the available evidence is currently insufficient to determine the role of this variant in disease. Therefore, it has been classified as a Variant of Uncertain Significance.